The following is an entry in ClinVar:

ClinVar aggregate classification (germline): Conflicting classifications of pathogenicity. Review status: criteria provided, conflicting classifications (1 of 4 stars). 6 submissions from 6 submitters: Likely pathogenic (1); Uncertain significance (5). Last evaluated 2025-10-02.

Conditions:
Atypical hemolytic-uremic syndrome with MCP/CD46 anomaly. Also called: HEMOLYTIC UREMIC SYNDROME, ATYPICAL, SUSCEPTIBILITY TO, 2; AHUS, SUSCEPTIBILITY TO, 2. Identifiers: Orphanet 2134, MedGen C2752040, MONDO:0013040, OMIM 612922.
CD46-related disorders.
Atypical hemolytic-uremic syndrome. Identifiers: Orphanet 2134, MedGen C2931788, MONDO:0016244.

Allele frequency attached by ClinVar (database versions not stated): gnomAD exomes 0.00001.
gnomAD v4.1: 18 of 1,613,814 alleles (0.0011%); highest among the groups gnomAD compares: Non-Finnish European, 0.0015%; no homozygotes.

Submissions (6):

Genomenon, Inc
Classification: Uncertain significance for Atypical hemolytic-uremic syndrome. Last evaluated: 2025-10-02. Review status: criteria provided, single submitter. Criteria: Genomenon Sequence Variant Interpretation Standards. Collection method: curation. Allele origin: germline. Affected: yes.
Comment: CD46 p.Cys64Phe (c.191G>T) is a missense variant that changes the amino acid at residue 64 from Cysteine to Phenylalanine. This variant has been observed in at least one proband affected with atypical hemolytic-uremic syndrome (PMID:37466676;26559391;24005975;19376828). It is absent or not present at a significant frequency in gnomAD. In silico models agree that this variant is possibly or probably damaging. In conclusion, we classify CD46 p.Cys64Phe (c.191G>T) as a variant of uncertain significance.

Department of Pathology and Laboratory Medicine, Sinai Health System
Classification: Uncertain significance for atypical hemolytic-uremic syndrome. Last evaluated: 2023-12-18. Review status: criteria provided, single submitter. Criteria: ACMG Guidelines, 2015. Collection method: research. Allele origin: germline.

Labcorp Genetics (formerly Invitae), Labcorp
Classification: Uncertain significance. Last evaluated: 2022-11-28. Review status: criteria provided, single submitter. Criteria: Invitae Variant Classification Sherloc (09022015). Collection method: clinical testing. Allele origin: germline.
Comment: This variant is not present in population databases (gnomAD no frequency). In summary, the available evidence is currently insufficient to determine the role of this variant in disease. Therefore, it has been classified as a Variant of Uncertain Significance. Advanced modeling of protein sequence and biophysical properties (such as structural, functional, and spatial information, amino acid conservation, physicochemical variation, residue mobility, and thermodynamic stability) performed at Invitae indicates that this missense variant is expected to disrupt CD46 protein function. ClinVar contains an entry for this variant (Variation ID: 1698741). This missense change has been observed in individual(s) with clinical features of atypical hemolytic uremic syndrome (PMID: 19376828, 24005975, 26559391). This sequence change replaces cysteine, which is neutral and slightly polar, with phenylalanine, which is neutral and non-polar, at codon 64 of the CD46 protein (p.Cys64Phe).

Genome Diagnostics Laboratory, The Hospital for Sick Children
Classification: Uncertain significance for Atypical hemolytic-uremic syndrome. Last evaluated: 2021-03-16. Review status: criteria provided, single submitter. Criteria: ACMG Guidelines, 2015. Collection method: clinical testing. Allele origin: germline.

Genetics and Molecular Pathology, SA Pathology
Classification: Uncertain significance for Atypical hemolytic-uremic syndrome with MCP/CD46 anomaly. Last evaluated: 2020-10-07. Review status: criteria provided, single submitter. Criteria: ACMG Guidelines, 2015. Collection method: clinical testing. Allele origin: germline. Affected: yes.
Comment: Insufficient evidence avaliable to determine the clinical significance of this variant. (PM2, PP3, PP5)

Blueprint Genetics
Classification: Likely pathogenic for CD46-related disorders. Last evaluated: 2020-01-07. Review status: criteria provided, single submitter. Criteria: ACMG Guidelines, 2015. Collection method: clinical testing. Allele origin: germline. Affected: yes. Observed: 1 variant allele.

Literature cited by the submitters: PubMed 37466676 (cited by Genomenon, Inc); PubMed 26559391 (cited by Genomenon, Inc and Labcorp Genetics (formerly Invitae), Labcorp); PubMed 24005975 (cited by Genomenon, Inc and Labcorp Genetics (formerly Invitae), Labcorp); PubMed 19376828 (cited by Genomenon, Inc and Labcorp Genetics (formerly Invitae), Labcorp).

NM_172351.3(CD46):c.191G>T (p.Cys64Phe)

Gene: CD46 (CD46 molecule; plus strand). Cytogenetic location: 1q32.2.
Variant type: single nucleotide variant.
Coding change: c.191G>T on transcript NM_172351.3 (MANE Select); coding-DNA position 191, G replaced by T.
Protein change: p.Cys64Phe; replaces cysteine 64 with phenylalanine.
Molecular consequence: missense variant.
Genome position (GRCh38, 1-based): chr1:207,757,107, G>T. VCF-style: chr1-207757107-G-T. GRCh37 (hg19) VCF-style: chr1-207930452-G-T.
Other names: c.191G>T, p.Cys64Phe (NM_002389.4, NM_153826.4, NM_172350.3 and 8 more transcripts); short protein forms C64F.
Identifiers: ClinVar variation 1698741 (VCV001698741.12), dbSNP rs1655633353, ClinGen allele CA344548102.